The following is an entry in ClinVar:

NM_001267550.2(TTN):c.57829G>T (p.Val19277Phe)

Genes: TTN (titin; minus strand), TTN-AS1 (TTN antisense RNA 1; plus strand). Cytogenetic location: 2q31.2.
Variant type: single nucleotide variant.
Coding change: c.57829G>T on transcript NM_001267550.2 (MANE Select); coding-DNA position 57829, G replaced by T.
Protein change: p.Val19277Phe; replaces valine 19277 with phenylalanine.
Molecular consequence: missense variant.
Genome position (GRCh38, 1-based): chr2:178,595,525, C>A on the plus strand (G>T on the coding strand, the complement: TTN is on the minus strand). VCF-style: chr2-178595525-C-A. GRCh37 (hg19) VCF-style: chr2-179460252-C-A.
Other names: c.52906G>T, p.Val17636Phe (NM_001256850.1); c.30634G>T, p.Val10212Phe (NM_003319.4); c.50125G>T, p.Val16709Phe (NM_133378.4); c.31009G>T, p.Val10337Phe (NM_133432.3); c.31210G>T, p.Val10404Phe (NM_133437.4); short protein forms V10212F, V10337F, V10404F, V16709F, V17636F, V19277F.
Identifiers: ClinVar variation 1799392 (VCV001799392.2), dbSNP rs1398372843, ClinGen allele CA349514192.

ClinVar aggregate classification (germline): Uncertain significance (1 of 4 stars; one submission).

Conditions:
Cardiovascular phenotype. Identifiers: MedGen CN230736.

Submission:

Ambry Genetics
Classification: Uncertain significance for Cardiovascular phenotype. Last evaluated: 2018-07-10. Review status: criteria provided, single submitter. Criteria: Ambry Variant Classification Scheme 2023. Collection method: clinical testing. Allele origin: germline.
Comment: The p.V10212F variant (also known as c.30634G>T), located in coding exon 122 of the TTN gene, results from a G to T substitution at nucleotide position 30634. The valine at codon 10212 is replaced by phenylalanine, an amino acid with highly similar properties. This amino acid position is not well conserved in available vertebrate species. In addition, this alteration is predicted to be tolerated by in silico analysis. Since supporting evidence is limited at this time, the clinical significance of this alteration remains unclear.